The following is an entry in ClinVar:

NM_002838.5(PTPRC):c.1084G>A (p.Glu362Lys)

Gene: PTPRC (protein tyrosine phosphatase receptor type C; plus strand). Cytogenetic location: 1q32.1.
Variant type: single nucleotide variant.
Coding change: c.1084G>A on transcript NM_002838.5 (MANE Select); coding-DNA position 1084, G replaced by A.
Protein change: p.Glu362Lys; replaces glutamic acid 362 with lysine.
Molecular consequence: missense variant.
Genome position (GRCh38, 1-based): chr1:198,709,737, G>A. VCF-style: chr1-198709737-G-A. GRCh37 (hg19) VCF-style: chr1-198678866-G-A.
Other names: c.601G>A, p.Glu201Lys (NM_080921.4); short protein forms E362K, E201K.
Identifiers: ClinVar variation 1032851 (VCV001032851.7), dbSNP rs917430300, ClinGen allele CA35889902.
Genomic context (GRCh38, chr1:198,709,737, plus strand): 5'-TTTATTTCAGGTAATATGATATTTGATAATAAAGAAATTAAATTAGAAAACCTTGAACCC[G>A]AACATGAGTATAAGTGTGACTCAGAAATACTCTATAATAACCACAAGTTTACTAACGCAA-3'
Protein context (NP_002829.3, residues 352-372): KEIKLENLEP[Glu362Lys]HEYKCDSEIL

ClinVar aggregate classification (germline): Uncertain significance. Review status: criteria provided, multiple submitters, no conflicts (2 of 4 stars). 2 submissions from 2 submitters: Uncertain significance (2). Last evaluated 2022-05-24.

Conditions:
Immunodeficiency 104. Also called: IMMUNODEFICIENCY 104, SEVERE COMBINED; SCID, AUTOSOMAL RECESSIVE, T CELL-NEGATIVE, B CELL-POSITIVE, NK CELL-POSITIVE; Severe Combined Immune Deficiency, Autosomal Recessive, TCell -Negative, B Cell-Positive, NK Cell-Positive, IL7R-Related; Severe combined immunodeficiency, autosomal recessive, T cell-negative, B cell-positive, NK cell-positive. Identifiers: MedGen C5676890, MONDO:0012163, OMIM 608971.

Allele frequency attached by ClinVar (database versions not stated): gnomAD exomes 0.00001 and 0.00002; TOPMed 0.00001; gnomAD 0.00002.
gnomAD v4.1: 27 of 1,606,520 alleles (0.0017%); highest among the groups gnomAD compares: African/African-American, 0.0067%; no homozygotes.

Submissions (2):

Labcorp Genetics (formerly Invitae), Labcorp
Classification: Uncertain significance for Immunodeficiency 104. Last evaluated: 2022-05-24. Review status: criteria provided, single submitter. Criteria: Invitae Variant Classification Sherloc (09022015). Collection method: clinical testing. Allele origin: germline.
Comment: This sequence change replaces glutamic acid, which is acidic and polar, with lysine, which is basic and polar, at codon 362 of the PTPRC protein (p.Glu362Lys). This variant is present in population databases (no rsID available, gnomAD 0.007%). This variant has not been reported in the literature in individuals affected with PTPRC-related conditions. ClinVar contains an entry for this variant (Variation ID: 1032851). Algorithms developed to predict the effect of missense changes on protein structure and function output the following: SIFT: "Tolerated"; PolyPhen-2: "Benign"; Align-GVGD: "Class C0". The lysine amino acid residue is found in multiple mammalian species, which suggests that this missense change does not adversely affect protein function. In summary, the available evidence is currently insufficient to determine the role of this variant in disease. Therefore, it has been classified as a Variant of Uncertain Significance.

Baylor Genetics
Classification: Uncertain significance for Immunodeficiency 104. Last evaluated: 2018-08-24. Review status: criteria provided, single submitter. Criteria: ACMG Guidelines, 2015. Collection method: clinical testing. Allele origin: maternal. Affected: yes.
Comment: This variant was determined to be of uncertain significance according to ACMG Guidelines, 2015 [PMID:25741868].